The following is an entry in ClinVar:

NM_001040142.2(SCN2A):c.4769T>C (p.Phe1590Ser)

Gene: SCN2A (sodium voltage-gated channel alpha subunit 2; plus strand). Cytogenetic location: 2q24.3.
Variant type: single nucleotide variant.
Coding change: c.4769T>C on transcript NM_001040142.2 (MANE Select); coding-DNA position 4769, T replaced by C.
Protein change: p.Phe1590Ser; replaces phenylalanine 1590 with serine.
Molecular consequence: missense variant.
Genome position (GRCh38, 1-based): chr2:165,386,963, T>C. VCF-style: chr2-165386963-T-C. GRCh37 (hg19) VCF-style: chr2-166243473-T-C.
Other names: c.4769T>C, p.Phe1590Ser (NM_001040143.2, NM_001371246.1, NM_001371247.1 and 1 more transcripts); short protein forms F1590S.
Identifiers: ClinVar variation 940493 (VCV000940493.10), dbSNP rs544310562, ClinGen allele CA1940317.

ClinVar aggregate classification (germline): Pathogenic (1 of 4 stars; one submission).

Conditions:
Seizures, benign familial infantile, 3 (BFIS3). Also called: Familial neonatal seizures; CONVULSIONS, BENIGN FAMILIAL INFANTILE, 3. Identifiers: Orphanet 140927, Orphanet 306, MedGen C1843140, MONDO:0011904, OMIM 607745.
Developmental and epileptic encephalopathy, 11 (DEE11). Also called: Early infantile epileptic encephalopathy 11. Identifiers: Orphanet 1934, MedGen C3150987, MONDO:0013388, OMIM 613721.

Allele frequency attached by ClinVar (database versions not stated): ExAC 0.00001; gnomAD 0.00001; 1000 Genomes Project 30x 0.00016; 1000 Genomes Project 0.00020.
gnomAD v4.1: 1 of 1,613,856 alleles (0.000062%); highest among the groups gnomAD compares: African/African-American, 0.0013%; no homozygotes.

Submission:

Labcorp Genetics (formerly Invitae), Labcorp
Classification: Pathogenic for Seizures, benign familial infantile, 3; Developmental and epileptic encephalopathy, 11. Last evaluated: 2022-11-15. Review status: criteria provided, single submitter. Criteria: Invitae Variant Classification Sherloc (09022015). Collection method: clinical testing. Allele origin: germline.
Comment: This missense change has been observed in individual(s) with clinical features of SCN2A-related conditions (Invitae). In at least one individual the variant was observed to be de novo. This variant is not present in population databases (gnomAD no frequency). This sequence change replaces phenylalanine, which is neutral and non-polar, with serine, which is neutral and polar, at codon 1590 of the SCN2A protein (p.Phe1590Ser). ClinVar contains an entry for this variant (Variation ID: 940493). Advanced modeling of protein sequence and biophysical properties (such as structural, functional, and spatial information, amino acid conservation, physicochemical variation, residue mobility, and thermodynamic stability) performed at Invitae indicates that this missense variant is expected to disrupt SCN2A protein function. For these reasons, this variant has been classified as Pathogenic.